The following is an entry in ClinVar:

ClinVar aggregate classification (germline): Uncertain significance (1 of 4 stars; one submission).

Allele frequency attached by ClinVar (database versions not stated): TOPMed below 0.00001; gnomAD 0.00001; gnomAD exomes 0.00001.
gnomAD v4.1: 17 of 1,609,804 alleles (0.0011%); highest among the groups gnomAD compares: Non-Finnish European, 0.0014%; no homozygotes.

Submission:

Labcorp Genetics (formerly Invitae), Labcorp
Classification: Uncertain significance. Last evaluated: 2023-09-05. Review status: criteria provided, single submitter. Criteria: Invitae Variant Classification Sherloc (09022015). Collection method: clinical testing. Allele origin: germline.
Comment: In summary, the available evidence is currently insufficient to determine the role of this variant in disease. Therefore, it has been classified as a Variant of Uncertain Significance. Experimental studies and prediction algorithms are not available or were not evaluated, and the effect of this variant on mRNA splicing is currently unknown. This variant has not been reported in the literature in individuals affected with HYOU1-related conditions. The frequency data for this variant in the population databases is considered unreliable, as metrics indicate poor data quality at this position in the gnomAD database. This sequence change affects codon 673 of the HYOU1 mRNA. It is a 'silent' change, meaning that it does not change the encoded amino acid sequence of the HYOU1 protein.

NM_006389.5(HYOU1):c.2019G>T (p.Gly673=)

Gene: HYOU1 (hypoxia up-regulated 1; minus strand). Cytogenetic location: 11q23.3.
Variant type: single nucleotide variant.
Coding change: c.2019G>T on transcript NM_006389.5 (MANE Select); coding-DNA position 2019, G replaced by T.
Protein change: p.Gly673=; no amino-acid change (glycine 673 retained).
Molecular consequence: synonymous variant.
Genome position (GRCh38, 1-based): chr11:119,048,860, C>A on the plus strand (G>T on the coding strand, the complement: HYOU1 is on the minus strand). VCF-style: chr11-119048860-C-A. GRCh37 (hg19) VCF-style: chr11-118919572-C-A.
Other names: c.2019G>T, p.Gly673= (NM_001130991.3, NM_001411041.1).
Identifiers: ClinVar variation 2963421 (VCV002963421.3), dbSNP rs781901605, ClinGen allele CA229619480.